The following is an entry in ClinVar:

ClinVar aggregate classification (germline): Uncertain significance (1 of 4 stars; one submission).

Allele frequency attached by ClinVar (database versions not stated): gnomAD exomes 0.00001; ExAC 0.00002; ESP Exome Variant Server 0.00015.
gnomAD v4.1: 33 of 1,613,712 alleles (0.002%); highest among the groups gnomAD compares: African/African-American, 0.024%; no homozygotes.

Submission:

CeGaT Center for Human Genetics Tuebingen
Classification: Uncertain significance. Last evaluated: 2023-10-01. Review status: criteria provided, single submitter. Criteria: CeGaT Center For Human Genetics Tuebingen Variant Classification Criteria Version 2. Collection method: clinical testing. Allele origin: germline. Affected: yes. Observed: 1 variant allele.
Comment: PRKCG: PM2:Supporting, BP4

NM_002739.5(PRKCG):c.1282-6C>T

Gene: PRKCG (protein kinase C gamma; plus strand). Cytogenetic location: 19q13.42.
Variant type: single nucleotide variant.
Coding change: c.1282-6C>T on transcript NM_002739.5 (MANE Select); 6 bases into the intron before coding-DNA position 1282, C replaced by T.
Molecular consequence: intron variant.
Genome position (GRCh38, 1-based): chr19:53,900,227, C>T. VCF-style: chr19-53900227-C-T. GRCh37 (hg19) VCF-style: chr19-54403481-C-T.
Other names: c.1282-6C>T (NM_001316329.2).
Identifiers: ClinVar variation 2650413 (VCV002650413.24), dbSNP rs375578686, ClinGen allele CA9640559.